The following is an entry in ClinVar:

ClinVar aggregate classification (germline): Pathogenic. Review status: criteria provided, multiple submitters, no conflicts (2 of 4 stars). 2 submissions from 2 submitters: Pathogenic (2). Last evaluated 2025-10-05.

Conditions:
Meckel-Gruber syndrome. Also called: DYSENCEPHALIA SPLANCHNOCYSTICA; GRUBER SYNDROME; Dysencephalia splachnocystica. Identifiers: Orphanet 564, MedGen C0265215, MONDO:0018921.
Joubert syndrome. Also called: JOUBERT-BOLTSHAUSER SYNDROME; Familial aplasia of the vermis. Identifiers: Orphanet 475, MedGen C5979921, MONDO:0018772.
Nephronophthisis. Also called: Juvenile Nephronophthisis. Identifiers: Orphanet 655, MedGen C0687120, MONDO:0019005, HP:0000090.
CEP290-related ciliopathy. Also called: CEP290 ciliopathy. Identifiers: MedGen CN305601, MONDO:0100451.

Allele frequency attached by ClinVar (database versions not stated): gnomAD exomes below 0.00001.

Submissions (2):

Myriad Genetics, Inc.
Classification: Pathogenic for CEP290-related ciliopathy. Last evaluated: 2025-10-05. Review status: criteria provided, single submitter. Criteria: Myriad Autosomal Dominant, Autosomal Recessive and X-Linked Classification Criteria (2023). Collection method: clinical testing. Allele origin: unknown.
Comment: NM_025114.3(CEP290):c.6992delC(A2331Vfs*16) is expected to be pathogenic in the context of CEP290-related disorders. This variant is predicted to lead to an abnormal or absent protein product due to the creation of a premature termination codon in CEP290, a gene where loss-of-function variants are known to be pathogenic. Please note: this variant was assessed in the context of healthy population screening.

Labcorp Genetics (formerly Invitae), Labcorp
Classification: Pathogenic for Joubert syndrome; Meckel-Gruber syndrome; Nephronophthisis. Last evaluated: 2023-08-31. Review status: criteria provided, single submitter. Criteria: Invitae Variant Classification Sherloc (09022015). Collection method: clinical testing. Allele origin: germline.
Comment: For these reasons, this variant has been classified as Pathogenic. Algorithms developed to predict the effect of sequence changes on RNA splicing suggest that this variant may disrupt the consensus splice site. This variant has not been reported in the literature in individuals affected with CEP290-related conditions. This variant is not present in population databases (gnomAD no frequency). This sequence change creates a premature translational stop signal (p.Ala2331Valfs*16) in the CEP290 gene. It is expected to result in an absent or disrupted protein product. Loss-of-function variants in CEP290 are known to be pathogenic (PMID: 16909394, 17345604, 20690115).

Literature cited by the submitters: PubMed 16909394 (cited by Labcorp Genetics (formerly Invitae), Labcorp); PubMed 17345604 (cited by Labcorp Genetics (formerly Invitae), Labcorp); PubMed 20690115 (cited by Labcorp Genetics (formerly Invitae), Labcorp).

NM_025114.4(CEP290):c.6992del (p.Ala2331fs)

Gene: CEP290 (centrosomal protein 290; minus strand). Cytogenetic location: 12q21.32.
Variant type: Deletion.
Coding change: c.6992del on transcript NM_025114.4 (MANE Select); coding-DNA position 6992, one base deleted (C; older notation c.6992delC).
Protein change: p.Ala2331fs; shifts the reading frame from alanine 2331.
Molecular consequence: frameshift variant.
Genome position (GRCh38, 1-based): chr12:88,054,382, G deleted on the plus strand (C on the coding strand, the reverse complement: CEP290 is on the minus strand). VCF-style (leftmost placement, unchanged base first): chr12-88054381-AG-A. GRCh37 (hg19) VCF-style: chr12-88448158-AG-A.
Other names: short protein forms A2331fs.
Identifiers: ClinVar variation 2951465 (VCV002951465.4), dbSNP rs2499445529, ClinGen allele CA2620106520.